The following is an entry in ClinVar:

NM_000243.3(MEFV):c.277+16C>A

Gene: MEFV (MEFV innate immuity regulator, pyrin; minus strand). Cytogenetic location: 16p13.3.
Variant type: single nucleotide variant.
Coding change: c.277+16C>A on transcript NM_000243.3 (MANE Select); 16 bases into the intron after coding-DNA position 277, C replaced by A.
Molecular consequence: intron variant.
Genome position (GRCh38, 1-based): chr16:3,256,295, G>T on the plus strand (C>A on the coding strand, the complement: MEFV is on the minus strand). VCF-style: chr16-3256295-G-T. GRCh37 (hg19) VCF-style: chr16-3306295-G-T.
Other names: c.277+16C>A (NM_001198536.2).
Identifiers: ClinVar variation 633302 (VCV000633302.1), dbSNP rs781767206, ClinGen allele CA913190436.

ClinVar aggregate classification (germline): Uncertain significance (1 of 4 stars; one submission).

gnomAD v4.1: 1 of 1,612,454 alleles (0.000062%); highest among the groups gnomAD compares: East Asian, 0.0022%; no homozygotes.

Submission:

Women's Health and Genetics/Laboratory Corporation of America, LabCorp
Classification: Uncertain significance. Last evaluated: 2018-10-26. Review status: criteria provided, single submitter. Criteria: LabCorp Variant Classification Summary - May 2015. Collection method: clinical testing. Allele origin: germline.
Comment: Variant summary: MEFV c.277+16C>A alters a non-conserved nucleotide located close to a canonical splice site and therefore could affect mRNA splicing, leading to a significantly altered protein sequence. 5/5 computational tools predict no significant impact on normal splicing. However, these predictions have yet to be confirmed by functional studies. The variant was absent in 240574 control chromosomes (gnomAD). The available data on variant occurrences in the general population are insufficient to allow any conclusion about variant significance. To our knowledge, no occurrence of c.277+16C>A in individuals affected with Familial Mediterranean Fever and no experimental evidence demonstrating its impact on protein function have been reported. No clinical diagnostic laboratories have submitted clinical-significance assessments for this variant to ClinVar after 2014. Based on the evidence outlined above, the variant was classified as uncertain significance.